The following is an entry in ClinVar:

ClinVar aggregate classification (germline): Benign/Likely benign. Review status: criteria provided, multiple submitters, no conflicts (2 of 4 stars). 3 submissions from 3 submitters: Benign (1); Likely benign (2). Last evaluated 2026-05-01.

Allele frequency attached by ClinVar (database versions not stated): gnomAD exomes 0.00092; gnomAD 0.00604 and 0.00646; TOPMed 0.00638; 1000 Genomes Project 0.00719; 1000 Genomes Project 30x 0.00765.
gnomAD v4.1: 1,532 of 772,154 alleles (0.2%); highest among the groups gnomAD compares: African/African-American, 2%; 16 homozygotes.

Submissions (3):

CeGaT Center for Human Genetics Tuebingen
Classification: Benign. Last evaluated: 2026-05-01. Review status: criteria provided, single submitter. Criteria: CeGaT Center For Human Genetics Tuebingen Variant Classification Criteria Version 2. Collection method: clinical testing. Allele origin: germline. Affected: yes. Observed: 2 variant alleles.
Comment: CDH1: BS1, BS2

GeneDx
Classification: Likely benign. Last evaluated: 2018-06-12. Review status: criteria provided, single submitter. Criteria: GeneDx Variant Classification (06012015). Collection method: clinical testing. Allele origin: germline. Affected: yes.
Comment: This variant is considered likely benign or benign based on one or more of the following criteria: it is a conservative change, it occurs at a poorly conserved position in the protein, it is predicted to be benign by multiple in silico algorithms, and/or has population frequency not consistent with disease.

Breakthrough Genomics
Classification: Likely benign. Review status: criteria provided, single submitter. Criteria: ACMG Guidelines, 2015. Collection method: not provided. Allele origin: germline. Inheritance: Autosomal dominant inheritance. Affected: yes.

NM_004360.5(CDH1):c.2440-126A>G

Gene: CDH1 (cadherin 1; plus strand). Cytogenetic location: 16q22.1.
Variant type: single nucleotide variant.
Coding change: c.2440-126A>G on transcript NM_004360.5 (MANE Select); 126 bases into the intron before coding-DNA position 2440, A replaced by G.
Molecular consequence: intron variant.
Genome position (GRCh38, 1-based): chr16:68,833,164, A>G. VCF-style: chr16-68833164-A-G. GRCh37 (hg19) VCF-style: chr16-68867067-A-G.
Other names: c.892-126A>G (NM_001317185.2); c.475-126A>G (NM_001317186.2); c.2257-126A>G (NM_001317184.2).
Identifiers: ClinVar variation 676803 (VCV000676803.10), dbSNP rs35316236, ClinGen allele CA283319603.